The following is an entry in ClinVar:

NM_001127222.2(CACNA1A):c.2344C>T (p.Arg782Ter)

Gene: CACNA1A (calcium voltage-gated channel subunit alpha1 A; minus strand). Cytogenetic location: 19p13.13.
Variant type: single nucleotide variant.
Coding change: c.2344C>T on transcript NM_001127222.2 (MANE Select); coding-DNA position 2344, C replaced by T.
Protein change: p.Arg782Ter; replaces arginine 782 with a stop codon.
Molecular consequence: nonsense.
Genome position (GRCh38, 1-based): chr19:13,299,289, G>A on the plus strand (C>T on the coding strand, the complement: CACNA1A is on the minus strand). VCF-style: chr19-13299289-G-A. GRCh37 (hg19) VCF-style: chr19-13410103-G-A.
Other names: c.2356C>T, p.Arg786Ter (NM_000068.4, NM_023035.3); c.2347C>T, p.Arg783Ter (NM_001127221.2, NM_001174080.2); short protein forms R782*, R783*, R786*.
Identifiers: ClinVar variation 3781023 (VCV003781023.1).

ClinVar aggregate classification (germline): Pathogenic (1 of 4 stars; one submission).

Submission:

GeneDx
Classification: Pathogenic. Last evaluated: 2024-10-17. Review status: criteria provided, single submitter. Criteria: GeneDx Variant Classification Process June 2021. Collection method: clinical testing. Allele origin: germline. Affected: yes.
Comment: Reported in the published literature in a patient with slowly progressive cerebellar ataxia (PMID: 34806130); Not observed at significant frequency in large population cohorts (gnomAD); Nonsense variant predicted to result in protein truncation or nonsense mediated decay in a gene for which loss of function is a known mechanism of disease; This variant is associated with the following publications: (PMID: 34806130)